The following is an entry in ClinVar:

ClinVar aggregate classification (germline): Uncertain significance (1 of 4 stars; one submission).

Allele frequency attached by ClinVar (database versions not stated): gnomAD exomes below 0.00001 and 0.00001.

Submission:

Labcorp Genetics (formerly Invitae), Labcorp
Classification: Uncertain significance. Last evaluated: 2021-08-02. Review status: criteria provided, single submitter. Criteria: Invitae Variant Classification Sherloc (09022015). Collection method: clinical testing. Allele origin: germline.
Comment: In summary, the available evidence is currently insufficient to determine the role of this variant in disease. Therefore, it has been classified as a Variant of Uncertain Significance. This sequence change replaces glycine with aspartic acid at codon 405 of the COL18A1 protein (p.Gly405Asp). There is a moderate physicochemical difference between glycine and aspartic acid. The frequency data for this variant in the population databases is considered unreliable, as metrics indicate poor data quality at this position in the ExAC database. This variant has not been reported in the literature in individuals affected with COL18A1-related conditions. Experimental studies and prediction algorithms are not available or were not evaluated, and the functional significance of this variant is currently unknown.

NM_001379500.1(COL18A1):c.1214G>A (p.Gly405Asp)

Gene: COL18A1 (collagen type XVIII alpha 1 chain; plus strand). Cytogenetic location: 21q22.3.
Variant type: single nucleotide variant.
Coding change: c.1214G>A on transcript NM_001379500.1 (MANE Select); coding-DNA position 1214, G replaced by A.
Protein change: p.Gly405Asp; replaces glycine 405 with aspartic acid.
Molecular consequence: missense variant.
Genome position (GRCh38, 1-based): chr21:45,477,958, G>A. VCF-style: chr21-45477958-G-A. GRCh37 (hg19) VCF-style: chr21-46897872-G-A.
Other names: c.1754G>A, p.Gly585Asp (NM_030582.4); c.2459G>A, p.Gly820Asp (NM_130444.3); short protein forms G405D, G820D, G585D.
Identifiers: ClinVar variation 1509693 (VCV001509693.6), dbSNP rs771756025, ClinGen allele CA10066102.
Genomic context (GRCh38, chr21:45,477,958, plus strand): 5'-TCCCCGGACCACAAGGACCCCCAGGGCCTCCGGGGAGGGACGGCACCCCTGGAAGGGACG[G>A]CGAGCCGGTGAGTCCTCACGTCCCCCCGAGTCCGGCCCGGTCTGGAGGGTGGGGGCTTGG-3'
Protein context (NP_001366429.1, residues 395-415): PGRDGTPGRD[Gly405Asp]EPGDPGEDGK